The following is an entry in ClinVar:

NM_001385641.1(SAMD11):c.782T>C (p.Met261Thr)

Gene: SAMD11 (sterile alpha motif domain containing 11; plus strand). Cytogenetic location: 1p36.33.
Variant type: single nucleotide variant.
Coding change: c.782T>C on transcript NM_001385641.1 (MANE Select); coding-DNA position 782, T replaced by C.
Protein change: p.Met261Thr; replaces methionine 261 with threonine.
Molecular consequence: missense variant.
Genome position (GRCh38, 1-based): chr1:930,327, T>C. VCF-style: chr1-930327-T-C. GRCh37 (hg19) VCF-style: chr1-865707-T-C.
Other names: c.782T>C, p.Met261Thr (NM_001385640.1); c.245T>C, p.Met82Thr (NM_152486.4); short protein forms M261T, M82T.
Identifiers: ClinVar variation 3157635 (VCV003157635.2), dbSNP rs1378184446, ClinGen allele CA337792922.

ClinVar aggregate classification (germline): Uncertain significance. Review status: criteria provided, multiple submitters, no conflicts (2 of 4 stars). 2 submissions from 2 submitters: Uncertain significance (2). Last evaluated 2025-12-23.

Allele frequency attached by ClinVar (database versions not stated): gnomAD exomes 0.00002; TOPMed 0.00002; gnomAD 0.00001.

Submissions (2):

Labcorp Genetics (formerly Invitae), Labcorp
Classification: Uncertain significance. Last evaluated: 2025-12-23. Review status: criteria provided, single submitter. Criteria: Invitae Variant Classification Sherloc (09022015). Collection method: clinical testing. Allele origin: germline.
Comment: This sequence change replaces methionine, which is neutral and non-polar, with threonine, which is neutral and polar, at codon 82 of the SAMD11 protein (p.Met82Thr). This variant is present in population databases (no rsID available, gnomAD 0.03%). This variant has not been reported in the literature in individuals affected with SAMD11-related conditions. ClinVar contains an entry for this variant (Variation ID: 3157635). An algorithm developed to predict the effect of missense changes on protein structure and function (PolyPhen-2) suggests that this variant is likely to be disruptive. In summary, the available evidence is currently insufficient to determine the role of this variant in disease. Therefore, it has been classified as a Variant of Uncertain Significance.

Ambry Genetics
Classification: Uncertain significance. Last evaluated: 2023-12-19. Review status: criteria provided, single submitter. Criteria: Ambry Variant Classification Scheme 2023. Collection method: clinical testing. Allele origin: germline.